The following is an entry in ClinVar:

ClinVar aggregate classification (germline): Uncertain significance (1 of 4 stars; one submission).

Conditions:
Dilated cardiomyopathy 1G (CMD1G). Identifiers: Orphanet 154, MedGen C1858763, MONDO:0011400, OMIM 604145.
Autosomal recessive limb-girdle muscular dystrophy type 2J (LGMDR10). Also called: Limb-girdle muscular dystrophy, type 2J; MUSCULAR DYSTROPHY, LIMB-GIRDLE, AUTOSOMAL RECESSIVE 10. Identifiers: Orphanet 140922, MedGen C1837342, MONDO:0012127, OMIM 608807.

Submission:

Labcorp Genetics (formerly Invitae), Labcorp
Classification: Uncertain significance for Dilated cardiomyopathy 1G; Autosomal recessive limb-girdle muscular dystrophy type 2J. Last evaluated: 2025-10-01. Review status: criteria provided, single submitter. Criteria: Invitae Variant Classification Sherloc (09022015). Collection method: clinical testing. Allele origin: germline.
Comment: This sequence change replaces alanine, which is neutral and non-polar, with threonine, which is neutral and polar, at codon 35534 of the TTN protein (p.Ala35534Thr). This variant is not present in population databases (gnomAD no frequency). This variant has not been reported in the literature in individuals affected with TTN-related conditions. ClinVar contains an entry for this variant (Variation ID: 2027320). Experimental studies and prediction algorithms are not available or were not evaluated, and the functional significance of this variant is currently unknown. This variant is located in the M band of TTN (PMID: 25589632). Non-truncating variants in this region may be relevant for neuromuscular disorders, but have not been definitively shown to cause cardiomyopathy (PMID: 23975875). In summary, the available evidence is currently insufficient to determine the role of this variant in disease. Therefore, it has been classified as a Variant of Uncertain Significance.

Literature cited by the submitters: PubMed 25589632; PubMed 23975875.

NM_001267550.2(TTN):c.106600G>A (p.Ala35534Thr)

Genes: TTN (titin; minus strand), TTN-AS1 (TTN antisense RNA 1; plus strand). Cytogenetic location: 2q31.2.
Variant type: single nucleotide variant.
Coding change: c.106600G>A on transcript NM_001267550.2 (MANE Select); coding-DNA position 106600, G replaced by A.
Protein change: p.Ala35534Thr; replaces alanine 35534 with threonine.
Molecular consequence: missense variant.
Genome position (GRCh38, 1-based): chr2:178,529,151, C>T on the plus strand (G>A on the coding strand, the complement: TTN is on the minus strand). VCF-style: chr2-178529151-C-T. GRCh37 (hg19) VCF-style: chr2-179393878-C-T.
Other names: c.101677G>A, p.Ala33893Thr (NM_001256850.1); c.79405G>A, p.Ala26469Thr (NM_003319.4); c.98896G>A, p.Ala32966Thr (NM_133378.4); c.79780G>A, p.Ala26594Thr (NM_133432.3); c.79981G>A, p.Ala26661Thr (NM_133437.4); short protein forms A26594T, A35534T, A26469T, A26661T, A32966T, A33893T.
Identifiers: ClinVar variation 2027320 (VCV002027320.4), dbSNP rs2468312730, ClinGen allele CA349404166.